The following is an entry in ClinVar:

NM_001943.5(DSG2):c.2773C>T (p.Pro925Ser)

Genes: DSG2 (desmoglein 2; plus strand), DSG2-AS1 (DSG2 antisense RNA 1; minus strand). Cytogenetic location: 18q12.1.
Variant type: single nucleotide variant.
Coding change: c.2773C>T on transcript NM_001943.5 (MANE Select); coding-DNA position 2773, C replaced by T.
Protein change: p.Pro925Ser; replaces proline 925 with serine.
Molecular consequence: missense variant.
Genome position (GRCh38, 1-based): chr18:31,546,159, C>T. VCF-style: chr18-31546159-C-T. GRCh37 (hg19) VCF-style: chr18-29126122-C-T.
Other names: short protein forms P925S.
Identifiers: ClinVar variation 925053 (VCV000925053.3), dbSNP rs958587739, ClinGen allele CA297702282.

ClinVar aggregate classification (germline): Uncertain significance (1 of 4 stars; one submission).

Conditions:
Cardiomyopathy (CMYO). Also called: Cardiomyopathies. Identifiers: Orphanet 167848, MedGen C0878544, MONDO:0004994, HP:0001638. Inheritance: Various modes of inheritance.

Allele frequency attached by ClinVar (database versions not stated): gnomAD exomes below 0.00001; TOPMed below 0.00001.
gnomAD v4.1: 1 of 1,614,194 alleles (0.000062%); highest among the groups gnomAD compares: Non-Finnish European, 0.000085%; no homozygotes.

Submission:

Color Diagnostics, LLC DBA Color Health
Classification: Uncertain significance for Cardiomyopathy. Last evaluated: 2019-05-24. Review status: criteria provided, single submitter. Criteria: ACMG Guidelines, 2015. Collection method: clinical testing. Allele origin: germline.
Comment: This missense variant replaces proline with serine at codon 925 of the DSG2 protein. Computational prediction tools and conservation analyses are inconclusive regarding the impact of this variant on the protein function. Computational splicing tools suggest that this variant may not impact RNA splicing. To our knowledge, functional assays have not been performed for this variant. This variant has been reported in individuals affected with arrhythmogenic right ventricular cardiomyopathy (PMID: 21723241, 24070718, 26138720). This variant has not been identified in the general population by the Genome Aggregation Database (gnomAD). Available evidence is insufficient to determine the role of this variant in disease conclusively. Therefore, this variant is classified as a Variant of Uncertain Significance.